The following is an entry in ClinVar:

NM_001257180.2(SLC20A2):c.1911C>T (p.Ser637=)

Gene: SLC20A2 (solute carrier family 20 member 2; minus strand). Cytogenetic location: 8p11.21.
Variant type: single nucleotide variant.
Coding change: c.1911C>T on transcript NM_001257180.2 (MANE Select); coding-DNA position 1911, C replaced by T.
Protein change: p.Ser637=; no amino-acid change (serine 637 retained).
Molecular consequence: synonymous variant.
Genome position (GRCh38, 1-based): chr8:42,417,851, G>A on the plus strand (C>T on the coding strand, the complement: SLC20A2 is on the minus strand). VCF-style: chr8-42417851-G-A. GRCh37 (hg19) VCF-style: chr8-42275369-G-A.
Other names: c.1911C>T, p.Ser637= (NM_001257181.2, NM_006749.5).
Identifiers: ClinVar variation 363068 (VCV000363068.13), dbSNP rs141545390, ClinGen allele CA4733171.
Genomic context (GRCh38, chr8:42,417,851, plus strand): 5'-GAAGAAGACAAATCACACATATGGAAGGATCCCATACATGAGAAGAGCCATGACAGCAGC[G>A]CTGAACAGCCCAGCCACAGGGACGGTCACGAACCAGGCCACGAAGATGTTCCGAAAGAGG-3'
Protein context (NP_001244109.1, residues 627-647): FVTVPVAGLF[Ser637=]AAVMALLMYG

ClinVar aggregate classification (germline): Benign/Likely benign. Review status: criteria provided, multiple submitters, no conflicts (2 of 4 stars). 3 submissions from 3 submitters: Benign (1); Likely benign (2). Last evaluated 2025-02-26.

Conditions:
Idiopathic basal ganglia calcification 1 (PFBC1A). Also called: Familial Idiopathic Basal Ganglia Calcification 2; Familial Idiopathic Basal Ganglia Calcification 3; Primary Familial Brain Calcification; PRIMARY FAMILIAL BRAIN CALCIFICATION 1A, AUTOSOMAL DOMINANT; Fahr's syndrome; Cerebral calcification nonarteriosclerotic idiopathic adult-onset. Identifiers: Orphanet 1980, MedGen C4551624, MONDO:0024538, OMIM 213600.

Allele frequency attached by ClinVar (database versions not stated): 1000 Genomes Project 0.00020; ExAC 0.00040; ESP Exome Variant Server 0.00015; 1000 Genomes Project 30x 0.00016; TOPMed 0.00021; gnomAD 0.00025 and 0.00026; gnomAD exomes 0.00026 and 0.00030.
gnomAD v4.1: 421 of 1,614,010 alleles (0.026%); highest among the groups gnomAD compares: Non-Finnish European, 0.029%; no homozygotes.

Submissions (3):

Labcorp Genetics (formerly Invitae), Labcorp
Classification: Likely benign. Last evaluated: 2025-02-26. Review status: criteria provided, single submitter. Criteria: Invitae Variant Classification Sherloc (09022015). Collection method: clinical testing. Allele origin: germline.

Blueprint Genetics
Classification: Likely benign. Last evaluated: 2024-03-24. Review status: criteria provided, single submitter. Criteria: ACMG Guidelines, 2015. Collection method: clinical testing. Allele origin: germline.

Illumina Laboratory Services, Illumina
Classification: Benign for Idiopathic basal ganglia calcification 1. Last evaluated: 2018-01-12. Review status: criteria provided, single submitter. Criteria: ICSL Variant Classification Criteria 13 December 2019. Collection method: clinical testing. Allele origin: germline.
Comment: This variant was observed in the ICSL laboratory as part of a predisposition screen in an ostensibly healthy population. It had not been previously curated by ICSL or reported in the Human Gene Mutation Database (HGMD: prior to June 1st, 2018), and was therefore a candidate for classification through an automated scoring system. Utilizing variant allele frequency, disease prevalence and penetrance estimates, and inheritance mode, an automated score was calculated to assess if this variant is too frequent to cause the disease. Based on the score and internal cut-off values, a variant classified as benign is not then subjected to further curation. The score for this variant resulted in a classification of benign for this disease.